The following is an entry in ClinVar:

NM_032551.5(KISS1R):c.18G>A (p.Thr6=)

Gene: KISS1R (KISS1 receptor; plus strand). Cytogenetic location: 19p13.3.
Variant type: single nucleotide variant.
Coding change: c.18G>A on transcript NM_032551.5 (MANE Select); coding-DNA position 18, G replaced by A.
Protein change: p.Thr6=; no amino-acid change (threonine 6 retained).
Molecular consequence: synonymous variant.
Genome position (GRCh38, 1-based): chr19:917,520, G>A. VCF-style: chr19-917520-G-A. GRCh37 (hg19) VCF-style: chr19-917520-G-A.
Other names: c.18G>A (NM_032551.4).
Identifiers: ClinVar variation 1590131 (VCV001590131.11), dbSNP rs755924784, ClinGen allele CA9028689.

ClinVar aggregate classification (germline): Benign/Likely benign. Review status: criteria provided, multiple submitters, no conflicts (2 of 4 stars). 3 submissions from 3 submitters: Benign (1); Likely benign (1). 1 of the submissions does not count toward it. Last evaluated 2025-06-26.

Conditions:
Hypogonadotropic hypogonadism 8 with or without anosmia (HH8). Also called: KISS1R-Related GnRH Deficiency; HYPOGONADOTROPIC HYPOGONADISM 8 WITH ANOSMIA, SUSCEPTIBILITY TO. Identifiers: Orphanet 478, MedGen C3553841, MONDO:0013910, OMIM 614837.
Central precocious puberty 1. Also called: Centra precocious puberty 1; Precocious puberty, gonadotropin-dependent. Identifiers: Orphanet 759, MedGen C3805879, MONDO:0008302, OMIM 176400.
KISS1R-related disorder. Also called: KISS1R-related condition.

Allele frequency attached by ClinVar (database versions not stated): gnomAD 0.00038; TOPMed 0.00049; gnomAD exomes 0.00105; ExAC 0.00454.
gnomAD v4.1: 570 of 1,501,158 alleles (0.038%); highest among the groups gnomAD compares: Admixed American, 0.011%; 2 homozygotes.

Submissions (3):

Labcorp Genetics (formerly Invitae), Labcorp
Classification: Benign. Last evaluated: 2025-06-26. Review status: criteria provided, single submitter. Criteria: Invitae Variant Classification Sherloc (09022015). Collection method: clinical testing. Allele origin: germline.

Fulgent Genetics
Classification: Likely benign for Central precocious puberty 1; Hypogonadotropic hypogonadism 8 with or without anosmia. Last evaluated: 2022-01-14. Review status: criteria provided, single submitter. Criteria: ACMG Guidelines, 2015. Collection method: clinical testing. Allele origin: unknown.

PreventionGenetics, part of Exact Sciences
Classification: Benign for KISS1R-related condition. Last evaluated: 2019-06-28. Review status: no assertion criteria provided. Collection method: clinical testing. Allele origin: germline. Not counted in ClinVar's aggregate classification.
Comment: This variant is classified as benign based on ACMG/AMP sequence variant interpretation guidelines (Richards et al. 2015 PMID: 25741868, with internal and published modifications).